The following is an entry in ClinVar:

ClinVar aggregate classification (germline): Pathogenic/Likely pathogenic. Review status: criteria provided, multiple submitters, no conflicts (2 of 4 stars). 5 submissions from 5 submitters: Pathogenic (1); Likely pathogenic (4). Last evaluated 2025-08-19.

Conditions:
Mitochondrial trifunctional protein deficiency 2 (MTPD2). Identifiers: MedGen C5830374, MONDO:0958185, OMIM 620300.
Mitochondrial trifunctional protein deficiency. Identifiers: Orphanet 746, MedGen C1969443, MONDO:0012172.

Allele frequency attached by ClinVar (database versions not stated): ExAC 0.00002; gnomAD exomes 0.00002; TOPMed 0.00002; gnomAD 0.00003 and 0.00004; ESP Exome Variant Server 0.00008.
gnomAD v4.1: 27 of 1,613,392 alleles (0.0017%); highest among the groups gnomAD compares: African/African-American, 0.0053%; no homozygotes.

Submissions (5):

Labcorp Genetics (formerly Invitae), Labcorp
Classification: Pathogenic for Mitochondrial trifunctional protein deficiency. Last evaluated: 2025-08-19. Review status: criteria provided, single submitter. Criteria: Invitae Variant Classification Sherloc (09022015). Collection method: clinical testing. Allele origin: germline.
Comment: This sequence change replaces phenylalanine, which is neutral and non-polar, with serine, which is neutral and polar, at codon 430 of the HADHB protein (p.Phe430Ser). This variant is present in population databases (rs375329638, gnomAD 0.01%). This missense change has been observed in individual(s) with long-chain ketoacyl-CoA thiolase deficiency (PMID: 16423905, 35383965, 35403730). In at least one individual the data is consistent with being in trans (on the opposite chromosome) from a pathogenic variant. This variant is also known as 1292T>C (F431S). ClinVar contains an entry for this variant (Variation ID: 1217468). Invitae Evidence Modeling of protein sequence and biophysical properties (such as structural, functional, and spatial information, amino acid conservation, physicochemical variation, residue mobility, and thermodynamic stability) indicates that this missense variant is expected to disrupt HADHB protein function with a positive predictive value of 80%. For these reasons, this variant has been classified as Pathogenic.

Fulgent Genetics
Classification: Likely pathogenic for Mitochondrial trifunctional protein deficiency 2. Last evaluated: 2024-04-18. Review status: criteria provided, single submitter. Criteria: ACMG Guidelines, 2015. Collection method: clinical testing. Allele origin: germline.

Women's Health and Genetics/Laboratory Corporation of America, LabCorp
Classification: Likely pathogenic for Mitochondrial trifunctional protein deficiency. Last evaluated: 2024-04-12. Review status: criteria provided, single submitter. Criteria: LabCorp Variant Classification Summary - May 2015. Collection method: clinical testing. Allele origin: germline.
Comment: Variant summary: HADHB c.1289T>C (p.Phe430Ser) results in a non-conservative amino acid change located in the thiolase, C-terminal domain (IPR020617) of the encoded protein sequence. Five of five in-silico tools predict a damaging effect of the variant on protein function. The variant allele was found at a frequency of 1.6e-05 in 251430 control chromosomes (gnomAD). c.1289T>C has been reported in the literature in the compound heterozygous state in at least three individuals affected with long-chain ketoacyl-CoA thiolase deficiency and one individual with a diagnosis of Mitochondrial Trifunctional Protein Deficiency (e.g. Das_2006, Vockley_2016, Schwantje_2022a, Schwantje_2022b). These data indicate that the variant is likely to be associated with disease. To our knowledge, no experimental evidence demonstrating an impact on protein function has been reported. The following publications have been ascertained in the context of this evaluation (PMID: 35383965, 16423905, 35403730, 27590926). ClinVar contains an entry for this variant (Variation ID: 1217468). Based on the evidence outlined above, the variant was classified as likely pathogenic.

Baylor Genetics
Classification: Likely pathogenic for Mitochondrial trifunctional protein deficiency 1. Last evaluated: 2023-08-04. Review status: criteria provided, single submitter. Criteria: ACMG Guidelines, 2015. Collection method: clinical testing. Allele origin: unknown.

GeneDx
Classification: Likely pathogenic. Last evaluated: 2023-02-02. Review status: criteria provided, single submitter. Criteria: GeneDx Variant Classification Process June 2021. Collection method: clinical testing. Allele origin: germline. Affected: yes.
Comment: In silico analysis supports that this missense variant has a deleterious effect on protein structure/function; Not observed at a significant frequency in large population cohorts (gnomAD); This variant is associated with the following publications: (PMID: 25087612, 28283530, 16423905, Neto_2022_Abstract, 35383965, 35403730, 27590926, 35782614)

Literature cited by the submitters: PubMed 16423905 (cited by Labcorp Genetics (formerly Invitae), Labcorp and Women's Health and Genetics/Laboratory Corporation of America, LabCorp); PubMed 35383965 (cited by Labcorp Genetics (formerly Invitae), Labcorp and Women's Health and Genetics/Laboratory Corporation of America, LabCorp); PubMed 35403730 (cited by Labcorp Genetics (formerly Invitae), Labcorp and Women's Health and Genetics/Laboratory Corporation of America, LabCorp); PubMed 27590926 (cited by Women's Health and Genetics/Laboratory Corporation of America, LabCorp).

NM_000183.3(HADHB):c.1289T>C (p.Phe430Ser)

Gene: HADHB (hydroxyacyl-CoA dehydrogenase trifunctional multienzyme complex subunit beta; plus strand). Cytogenetic location: 2p23.3.
Variant type: single nucleotide variant.
Coding change: c.1289T>C on transcript NM_000183.3 (MANE Select); coding-DNA position 1289, T replaced by C.
Protein change: p.Phe430Ser; replaces phenylalanine 430 with serine.
Molecular consequence: missense variant.
Genome position (GRCh38, 1-based): chr2:26,285,471, T>C. VCF-style: chr2-26285471-T-C. GRCh37 (hg19) VCF-style: chr2-26508339-T-C.
Other names: c.1244T>C, p.Phe415Ser (NM_001281512.2); c.1223T>C, p.Phe408Ser (NM_001281513.2); short protein forms F408S, F415S, F430S.
Identifiers: ClinVar variation 1217468 (VCV001217468.21), dbSNP rs375329638, ClinGen allele CA1560506.